The following is an entry in ClinVar:

ClinVar aggregate classification (germline): Likely benign. Review status: criteria provided, multiple submitters, no conflicts (2 of 4 stars). 2 submissions from 2 submitters: Likely benign (2). Last evaluated 2026-09-15.

Conditions:
IFT88-related disorder. Also called: IFT88-related condition.

Allele frequency attached by ClinVar (database versions not stated): gnomAD 0.00004; gnomAD exomes 0.00006 and 0.00013; ExAC 0.00012.
gnomAD v4.1: 88 of 1,609,640 alleles (0.0055%); highest among the groups gnomAD compares: South Asian, 0.092%; no homozygotes.

Submissions (2):

PreventionGenetics, part of Exact Sciences
Classification: Likely benign for IFT88-related condition. Last evaluated: 2026-09-15. Review status: criteria provided, single submitter. Criteria: ACMG Guidelines, 2015. Collection method: clinical testing. Allele origin: germline.
Comment: This variant is classified as likely benign based on ACMG/AMP sequence variant interpretation guidelines (Richards et al. 2015 PMID: 25741868, with internal and published modifications).

Labcorp Genetics (formerly Invitae), Labcorp
Classification: Likely benign. Last evaluated: 2022-11-17. Review status: criteria provided, single submitter. Criteria: Invitae Variant Classification Sherloc (09022015). Collection method: clinical testing. Allele origin: germline.

NM_006531.5(IFT88):c.1656C>T (p.Ala552=)

Gene: IFT88 (intraflagellar transport 88; plus strand). Cytogenetic location: 13q12.11.
Variant type: single nucleotide variant.
Coding change: c.1656C>T on transcript NM_006531.5 (MANE Select); coding-DNA position 1656, C replaced by T.
Protein change: p.Ala552=; no amino-acid change (alanine 552 retained).
Molecular consequence: synonymous variant. On other transcripts: non-coding transcript variant (4).
Genome position (GRCh38, 1-based): chr13:20,641,372, C>T. VCF-style: chr13-20641372-C-T. GRCh37 (hg19) VCF-style: chr13-21215511-C-T.
Other names: c.1599C>T, p.Ala533= (NM_001318491.2, NM_001353575.2); c.1683C>T, p.Ala561= (NM_001318493.2, NM_001353565.2, NM_001353566.2 and 2 more transcripts); c.1656C>T, p.Ala552= (NM_001353568.2, NM_001353572.2); c.1581C>T, p.Ala527= (NM_001353569.2, NM_001353570.2, NM_001353576.2 and 1 more transcripts); c.1554C>T, p.Ala518= (NM_001353571.2, NM_001353578.2); c.1512C>T, p.Ala504= (NM_001353573.2); c.1497C>T, p.Ala499= (NM_001353574.2); c.1023C>T, p.Ala341= (NM_001353579.2); and 1 more.
Identifiers: ClinVar variation 1668776 (VCV001668776.9), dbSNP rs778032657, ClinGen allele CA6905486.